The following is an entry in ClinVar:

ClinVar aggregate classification (germline): Uncertain significance (1 of 4 stars; one submission).

Submission:

Mayo Clinic Laboratories, Mayo Clinic
Classification: Uncertain significance. Last evaluated: 2025-01-30. Review status: criteria provided, single submitter. Criteria: ACMG Guidelines, 2015. Collection method: clinical testing. Allele origin: germline. Observed: 1 variant allele.
Comment: BP4, PM2_supporting

NM_015378.4(VPS13D):c.6481C>G (p.Gln2161Glu)

Gene: VPS13D (vacuolar protein sorting 13 homolog D; plus strand). Cytogenetic location: 1p36.22.
Variant type: single nucleotide variant.
Coding change: c.6481C>G on transcript NM_015378.4 (MANE Select); coding-DNA position 6481, C replaced by G.
Protein change: p.Gln2161Glu; replaces glutamine 2161 with glutamic acid.
Molecular consequence: missense variant.
Genome position (GRCh38, 1-based): chr1:12,308,472, C>G. VCF-style: chr1-12308472-C-G. GRCh37 (hg19) VCF-style: chr1-12368529-C-G.
Other names: p.Gln2161Glu; c.6481C>G, p.Gln2161Glu (NM_018156.4); short protein forms Q2161E.
Identifiers: ClinVar variation 4540702 (VCV004540702.1).